The following is an entry in ClinVar:

ClinVar aggregate classification (germline): Likely benign. Review status: criteria provided, multiple submitters, no conflicts (2 of 4 stars). 2 submissions from 2 submitters: Likely benign (2). Last evaluated 2023-04-18.

Allele frequency attached by ClinVar (database versions not stated): gnomAD exomes 0.00002; ExAC 0.00003; TOPMed 0.00003.
gnomAD v4.1: 32 of 1,614,150 alleles (0.002%); highest among the groups gnomAD compares: Middle Eastern, 0.016%; no homozygotes.

Submissions (2):

Labcorp Genetics (formerly Invitae), Labcorp
Classification: Likely benign. Last evaluated: 2023-04-18. Review status: criteria provided, single submitter. Criteria: Invitae Variant Classification Sherloc (09022015). Collection method: clinical testing. Allele origin: germline.

Laboratory for Molecular Medicine, Mass General Brigham Personalized Medicine
Classification: Likely benign. Last evaluated: 2015-01-29. Review status: criteria provided, single submitter. Criteria: LMM Criteria. Collection method: clinical testing. Allele origin: germline. Observed: 1 variant allele.
Comment: p.Ala9Ala in exon 2 of MYO6: This variant is not expected to have clinical signi ficance because it does not alter an amino acid residue and it is not located wi thin the splice consensus sequence. It has been identified in 3/67686 of Europea n and in 1/11602 Latino chromosomes by the Exome Aggregation Consortium (ExAC)

NM_004999.4(MYO6):c.27G>A (p.Ala9=)

Gene: MYO6 (myosin VI; plus strand). Cytogenetic location: 6q14.1.
Variant type: single nucleotide variant.
Coding change: c.27G>A on transcript NM_004999.4 (MANE Select); coding-DNA position 27, G replaced by A.
Protein change: p.Ala9=; no amino-acid change (alanine 9 retained).
Molecular consequence: synonymous variant. On other transcripts: non-coding transcript variant (2).
Genome position (GRCh38, 1-based): chr6:75,817,574, G>A. VCF-style: chr6-75817574-G-A. GRCh37 (hg19) VCF-style: chr6-76527291-G-A.
Other names: c.27G>A, p.Ala9= (NM_001300899.2, NM_001368136.1, NM_001368137.1 and 5 more transcripts).
Identifiers: ClinVar variation 227675 (VCV000227675.7), dbSNP rs767670766, ClinGen allele CA3896700.